The following is an entry in ClinVar:

NM_024753.5(TTC21B):c.2360A>C (p.Gln787Pro)

Gene: TTC21B (tetratricopeptide repeat domain 21B; minus strand). Cytogenetic location: 2q24.3.
Variant type: single nucleotide variant.
Coding change: c.2360A>C on transcript NM_024753.5 (MANE Select); coding-DNA position 2360, A replaced by C.
Protein change: p.Gln787Pro; replaces glutamine 787 with proline.
Molecular consequence: missense variant.
Genome position (GRCh38, 1-based): chr2:165,911,428, T>G on the plus strand (A>C on the coding strand, the complement: TTC21B is on the minus strand). VCF-style: chr2-165911428-T-G. GRCh37 (hg19) VCF-style: chr2-166767938-T-G.
Other names: short protein forms Q787P.
Identifiers: ClinVar variation 2106519 (VCV002106519.4), dbSNP rs760057103, ClinGen allele CA349057090.

ClinVar aggregate classification (germline): Uncertain significance (1 of 4 stars; one submission).

Conditions:
Jeune thoracic dystrophy. Also called: Jeune syndrome; Infantile thoracic dystrophy; Thoracic pelvic phalangeal dystrophy; Jeune's syndrome; Chondroectodermal dysplasia-like syndrome; Short-rib thoracic dysplasia. Identifiers: Orphanet 474, MedGen C0265275, MONDO:0018770.
Nephronophthisis. Also called: Juvenile Nephronophthisis. Identifiers: Orphanet 655, MedGen C0687120, MONDO:0019005, HP:0000090.

Submission:

Labcorp Genetics (formerly Invitae), Labcorp
Classification: Uncertain significance for Jeune thoracic dystrophy; Nephronophthisis. Last evaluated: 2022-08-16. Review status: criteria provided, single submitter. Criteria: Invitae Variant Classification Sherloc (09022015). Collection method: clinical testing. Allele origin: germline.
Comment: In summary, the available evidence is currently insufficient to determine the role of this variant in disease. Therefore, it has been classified as a Variant of Uncertain Significance. Algorithms developed to predict the effect of missense changes on protein structure and function are either unavailable or do not agree on the potential impact of this missense change (SIFT: "Deleterious"; PolyPhen-2: "Possibly Damaging"; Align-GVGD: "Class C15"). This variant has not been reported in the literature in individuals affected with TTC21B-related conditions. This variant is not present in population databases (gnomAD no frequency). This sequence change replaces glutamine, which is neutral and polar, with proline, which is neutral and non-polar, at codon 787 of the TTC21B protein (p.Gln787Pro).